The following is an entry in ClinVar:

ClinVar aggregate classification (germline): Uncertain significance (1 of 4 stars; one submission).

Conditions:
CEP290-related ciliopathy. Also called: CEP290 ciliopathy. Identifiers: MedGen CN305601, MONDO:0100451.

Submission:

Victorian Clinical Genetics Services, Murdoch Childrens Research Institute
Classification: Uncertain significance for CEP290-related ciliopathy. Last evaluated: 2023-07-17. Review status: criteria provided, single submitter. Criteria: ACMG Guidelines, 2015. Collection method: clinical testing. Allele origin: germline. Inheritance: Autosomal recessive inheritance. Affected: yes.
Comment: Based on the classification scheme VCGS_Germline_v1.3.4, this variant is classified as VUS-3B. Following criteria are met: 0102 - Loss of function is a known mechanism of disease in this gene and is associated with CEP290-related ciliopathy (MONDO#0100451). (I) 0106 - This gene is associated with autosomal recessive disease. (I) 0212 - Non-canonical splice site variant without proven consequence on splicing (no functional evidence available). (SP) 0251 - This variant is heterozygous. (I) 0301 - Variant is absent from gnomAD (both v2 and v3). (SP) 0508 - In silico predictions for abnormal splicing are conflicting. (I) 0705 - No comparable splice variants have previous evidence for pathogenicity. (I) 0807 - This variant has no previous evidence of pathogenicity. (I) 0905 - No published segregation evidence has been identified for this variant. (I) 1007 - No published functional evidence has been identified for this variant. (I) 1208 - Inheritance information for this variant is not currently available in this individual. (I) Legend: (SP) - Supporting pathogenic, (I) - Information, (SB) - Supporting benign

NM_025114.4(CEP290):c.3103+2dup

Gene: CEP290 (centrosomal protein 290; minus strand). Cytogenetic location: 12q21.32.
Variant type: Duplication.
Coding change: c.3103+2dup on transcript NM_025114.4 (MANE Select); the canonical splice donor site of the intron after coding-DNA position 3103, one base duplicated (T; older notation c.3103+2dupT).
Molecular consequence: splice donor variant.
Genome position (GRCh38, 1-based): chr12:88,096,886, A duplicated on the plus strand (T on the coding strand, the reverse complement: CEP290 is on the minus strand). VCF-style (leftmost placement, unchanged base first): chr12-88096885-T-TA. GRCh37 (hg19) VCF-style: chr12-88490662-T-TA.
Identifiers: ClinVar variation 3254675 (VCV003254675.1), dbSNP rs2500369835.